The following is an entry in ClinVar:

NM_000090.4(COL3A1):c.3845A>G (p.Asn1282Ser)

Gene: COL3A1 (collagen type III alpha 1 chain; plus strand). Cytogenetic location: 2q32.2.
Variant type: single nucleotide variant.
Coding change: c.3845A>G on transcript NM_000090.4 (MANE Select); coding-DNA position 3845, A replaced by G.
Protein change: p.Asn1282Ser; replaces asparagine 1282 with serine.
Molecular consequence: missense variant.
Genome position (GRCh38, 1-based): chr2:189,010,199, A>G. VCF-style: chr2-189010199-A-G. GRCh37 (hg19) VCF-style: chr2-189874925-A-G.
Other names: short protein forms N1282S.
Identifiers: ClinVar variation 925252 (VCV000925252.5), dbSNP rs1483989815, ClinGen allele CA349848476.

ClinVar aggregate classification (germline): Uncertain significance. Review status: criteria provided, multiple submitters, no conflicts (2 of 4 stars). 3 submissions from 3 submitters: Uncertain significance (3). Last evaluated 2025-04-18.

Conditions:
Ehlers-Danlos syndrome, type 4 (EDSVASC). Also called: Ehlers-Danlos syndrome vascular type; Ehlers Danlos syndrome, ecchymotic type; Ehlers Danlos syndrome, arterial type; Ehlers Danlos syndrome, Sack-Barabas type; Ehlers-Danlos Syndrome Type IV. Identifiers: Orphanet 286, MedGen C0268338, MONDO:0017314, OMIM 130050.
Familial thoracic aortic aneurysm and aortic dissection (TAAD). Also called: Thoracic aortic aneurysms and dissections. Identifiers: Orphanet 91387, MedGen C4707243, MONDO:0019625.

Allele frequency attached by ClinVar (database versions not stated): gnomAD exomes 0.00001.
gnomAD v4.1: 4 of 1,614,160 alleles (0.00025%); highest among the groups gnomAD compares: Admixed American, 0.0067%; no homozygotes.

Submissions (3):

GeneDx
Classification: Uncertain significance. Last evaluated: 2025-04-18. Review status: criteria provided, single submitter. Criteria: GeneDx Variant Classification Process June 2021. Collection method: clinical testing. Allele origin: germline. Affected: yes.
Comment: Not observed at significant frequency in large population cohorts (gnomAD); In silico analysis supports that this missense variant has a deleterious effect on protein structure/function; Has not been previously published as pathogenic or benign to our knowledge; Not located in the triple helical region, where the majority of pathogenic missense variants occur (HGMD)

All of Us Research Program, National Institutes of Health
Classification: Uncertain significance for Ehlers-Danlos syndrome, type 4. Last evaluated: 2023-07-13. Review status: criteria provided, single submitter. Criteria: ACMG Guidelines, 2015. Collection method: clinical testing. Allele origin: germline. Inheritance: Autosomal dominant inheritance. Observed: 1 variant allele, 1 heterozygote.
Comment: This missense variant replaces asparagine with serine at codon 1282 of the COL3A1 protein. Computational prediction suggests that this variant may have deleterious impact on protein structure and function (internally defined REVEL score threshold >= 0.7, PMID: 27666373). Splice site prediction tools suggest that this variant may not impact RNA splicing. To our knowledge, functional studies have not been performed for this variant. This variant has not been reported in individuals affected with cardiovascular disorders in the literature. This variant has been identified in 2/251340 chromosomes in the general population by the Genome Aggregation Database (gnomAD). The available evidence is insufficient to determine the role of this variant in disease conclusively. Therefore, this variant is classified as a Variant of Uncertain Significance.

This study involves interpretation of variants in research participants for the purpose of population health screening. Participant phenotype was not available at the time of variant classification. Additional details can be found in publication PMID: 35346344, PMCID: PMC8962531

Color Diagnostics, LLC DBA Color Health
Classification: Uncertain significance for Familial thoracic aortic aneurysm and aortic dissection. Last evaluated: 2019-11-26. Review status: criteria provided, single submitter. Criteria: ACMG Guidelines, 2015. Collection method: clinical testing. Allele origin: germline.
Comment: This missense variant replaces asparagine with serine at codon 1282 of the COL3A1 protein. Computational prediction suggests that this variant may have deleterious impact on protein structure and function (internally defined REVEL score threshold >= 0.7, PMID: 27666373). Splice site prediction tools suggest that this variant may not impact RNA splicing. To our knowledge, functional studies have not been performed for this variant. This variant has not been reported in individuals affected with cardiovascular disorders in the literature. This variant has been identified in 2/251340 chromosomes in the general population by the Genome Aggregation Database (gnomAD). The available evidence is insufficient to determine the role of this variant in disease conclusively. Therefore, this variant is classified as a Variant of Uncertain Significance.